The following is an entry in ClinVar:

NM_000169.3(GLA):c.777del (p.Gly261fs)

Genes: GLA (galactosidase alpha; minus strand), RPL36A-HNRNPH2 (RPL36A-HNRNPH2 readthrough; plus strand). Cytogenetic location: Xq22.1.
Variant type: Deletion.
Coding change: c.777del on transcript NM_000169.3 (MANE Select); coding-DNA position 777, one base deleted (A; older notation c.777delA).
Protein change: p.Gly261fs; shifts the reading frame from glycine 261.
Molecular consequence: frameshift variant. On other transcripts: non-coding transcript variant (3), intron variant (2).
Genome position (GRCh38, 1-based): chrX:101,398,809, T deleted on the plus strand (A on the coding strand, the reverse complement: GLA is on the minus strand). VCF-style (leftmost placement, unchanged base first): chrX-101398808-CT-C. GRCh37 (hg19) VCF-style: chrX-100653796-CT-C.
Other names: c.777delA, p.Gly261Valfs (NM_000169.2); c.900del, p.Gly302fs (NM_001406747.1); c.777del, p.Gly261fs (NM_001406748.1); c.300+3352del (NM_001199973.2); c.177+6987del (NM_001199974.2); c.777delA (NM_000169.3); short protein forms G261fs, G302fs.
Identifiers: ClinVar variation 596584 (VCV000596584.24), dbSNP rs1569303213, ClinGen allele CA913190980.

ClinVar aggregate classification (germline): Pathogenic. Review status: criteria provided, multiple submitters, no conflicts (2 of 4 stars). 6 submissions from 6 submitters: Pathogenic (6). Last evaluated 2026-09-08.

Conditions:
Fabry disease. Also called: Fabry's disease; Angiokeratoma corporis diffusum; ALPHA-GALACTOSIDASE A DEFICIENCY; ANDERSON-FABRY DISEASE; CERAMIDE TRIHEXOSIDASE DEFICIENCY; GLA DEFICIENCY. Identifiers: Orphanet 324, MedGen C0002986, MONDO:0010526, OMIM 301500, HP:0001071. Disease mechanism: loss of function, Fabry disease is due to inactivating mutations in the X-linked GLA gene resulting in deficiency of the enzyme Alpha Galactosidase-A..

Submissions (6):

Genomenon, Inc
Classification: Pathogenic for Fabry disease. Last evaluated: 2026-09-08. Review status: criteria provided, single submitter. Criteria: Genomenon Sequence Variant Interpretation Standards - Updated. Collection method: curation. Allele origin: germline. Affected: yes.
Comment: GLA p.Gly261ValfsTer8 (c.777del) is a frameshift variant that is predicted to introduce a premature termination codon and result in a truncated or absent protein product. This variant has been observed in at least one proband with clinical features consistent with Fabry disease (PMID:11322659;19265719;37626912;9100224). At least one functional study has demonstrated a substantial alteration in protein function relative to the wild-type (PMID:38847497). It is absent or not present at a significant frequency in gnomAD. In conclusion, we classify GLA p.Gly261ValfsTer8 (c.777del) as a pathogenic variant.

Women's Health and Genetics/Laboratory Corporation of America, LabCorp
Classification: Pathogenic for Fabry disease. Last evaluated: 2024-11-18. Review status: criteria provided, single submitter. Criteria: LabCorp Variant Classification Summary - May 2015. Collection method: clinical testing. Allele origin: germline.
Comment: Variant summary: GLA c.777delA (p.Gly261ValfsX8) results in a premature termination codon, predicted to cause a truncation of the encoded protein or absence of the protein due to nonsense mediated decay, which are commonly known mechanisms for disease. The variant was absent in 183486 control chromosomes. c.777delA has been reported in the literature in individuals affected with Fabry Disease (ENG_1997). The following publication has been ascertained in the context of this evaluation (PMID: 9100224). ClinVar contains an entry for this variant (Variation ID: 596584). Based on the evidence outlined above, the variant was classified as pathogenic.

Genome-Nilou Lab
Classification: Pathogenic for Fabry disease. Last evaluated: 2021-07-15. Review status: criteria provided, single submitter. Criteria: ACMG Guidelines, 2015. Collection method: clinical testing. Allele origin: germline. Affected: no.

Labcorp Genetics (formerly Invitae), Labcorp
Classification: Pathogenic for Fabry disease. Last evaluated: 2019-07-18. Review status: criteria provided, single submitter. Criteria: Invitae Variant Classification Sherloc (09022015). Collection method: clinical testing. Allele origin: germline.
Comment: For these reasons, this variant has been classified as Pathogenic. Loss-of-function variants in GLA are known to be pathogenic (PMID: 10666480, 12175777). This variant has been observed in individuals affected with Fabry disease (PMID: 9100224, 23935525). ClinVar contains an entry for this variant (Variation ID: 596584). This variant is not present in population databases (ExAC no frequency). This sequence change creates a premature translational stop signal (p.Gly261Valfs*8) in the GLA gene. It is expected to result in an absent or disrupted protein product.

Revvity Omics, Revvity
Classification: Pathogenic. Last evaluated: 2019-05-27. Review status: criteria provided, single submitter. Criteria: ACMG Guidelines, 2015. Collection method: clinical testing. Allele origin: germline.

Eurofins Ntd Llc (ga)
Classification: Pathogenic. Last evaluated: 2018-03-14. Review status: criteria provided, single submitter. Criteria: EGL ClinVar v180209 classification definitions. Collection method: clinical testing. Allele origin: germline. Observed: 3 variant alleles, 2 heterozygotes, 1 hemizygote.

Literature cited by the submitters: PubMed 11322659 (cited by Genomenon, Inc); PubMed 19265719 (cited by Genomenon, Inc); PubMed 37626912 (cited by Genomenon, Inc); PubMed 9100224 (cited by 3 submitters); PubMed 38847497 (cited by Genomenon, Inc); PubMed 10666480 (cited by Labcorp Genetics (formerly Invitae), Labcorp); PubMed 12175777 (cited by Labcorp Genetics (formerly Invitae), Labcorp); PubMed 23935525 (cited by Labcorp Genetics (formerly Invitae), Labcorp).